The following is an entry in ClinVar:

ClinVar aggregate classification (germline): Uncertain significance (1 of 4 stars; one submission).

gnomAD v4.1: 1 of 1,599,688 alleles (0.000063%); no homozygotes.

Submission:

Labcorp Genetics (formerly Invitae), Labcorp
Classification: Uncertain significance. Last evaluated: 2023-10-19. Review status: criteria provided, single submitter. Criteria: Invitae Variant Classification Sherloc (09022015). Collection method: clinical testing. Allele origin: germline.
Comment: This sequence change replaces valine, which is neutral and non-polar, with methionine, which is neutral and non-polar, at codon 3092 of the FRAS1 protein (p.Val3092Met). This variant is not present in population databases (gnomAD no frequency). This variant has not been reported in the literature in individuals affected with FRAS1-related conditions. Advanced modeling of protein sequence and biophysical properties (such as structural, functional, and spatial information, amino acid conservation, physicochemical variation, residue mobility, and thermodynamic stability) performed at Invitae indicates that this missense variant is expected to disrupt FRAS1 protein function. Algorithms developed to predict the effect of sequence changes on RNA splicing suggest that this variant may disrupt the consensus splice site. In summary, the available evidence is currently insufficient to determine the role of this variant in disease. Therefore, it has been classified as a Variant of Uncertain Significance.

NM_025074.7(FRAS1):c.9274G>A (p.Val3092Met)

Gene: FRAS1 (Fraser extracellular matrix complex subunit 1; plus strand). Cytogenetic location: 4q21.21.
Variant type: single nucleotide variant.
Coding change: c.9274G>A on transcript NM_025074.7 (MANE Select); coding-DNA position 9274, G replaced by A.
Protein change: p.Val3092Met; replaces valine 3092 with methionine.
Molecular consequence: missense variant.
Genome position (GRCh38, 1-based): chr4:78,499,879, G>A. VCF-style: chr4-78499879-G-A. GRCh37 (hg19) VCF-style: chr4-79421033-G-A.
Other names: short protein forms V3092M.
Identifiers: ClinVar variation 2853463 (VCV002853463.3), dbSNP rs2475793003, ClinGen allele CA357378039.
Genomic context (GRCh38, chr4:78,499,879, plus strand): 5'-GATCAGAACAGGACCTCCAAGGTTCGCTGCAGCACGCGGGATGGCTCTGCCCAGTCTGGT[G>A]TGGATTATTACCCAAAGAGCCGAGTCTTGAAGTTCAGTCCCGGTAATTGAATGCCAACCT-3'
Protein context (NP_079350.5, residues 3082-3102): STRDGSAQSG[Val3092Met]DYYPKSRVLK